The following is an entry in ClinVar:

ClinVar aggregate classification (germline): Uncertain significance (1 of 4 stars; one submission).

Submission:

Laboratory for Molecular Medicine, Mass General Brigham Personalized Medicine
Classification: Uncertain significance. Last evaluated: 2018-09-10. Review status: criteria provided, single submitter. Criteria: LMM Criteria. Collection method: clinical testing. Allele origin: germline. Observed: 2 variant alleles.
Comment: Computational prediction tools and conservation analysis suggest that this varia nt may impact the protein, though this information is not predictive enough to d etermine pathogenicity. In addition, this variant is referred to in several func tional studies as the "K157R rigor mutant" and has been used in several function al studies because of its "rigor-like" actin binding, whereby it exhibits an inc reased binding affinity to actin (Arden 2016, Aschenbrenner 2004, Kruppa 2018, M asters 2017, Masters 2017, Waxse 2017), and shows no movement of vesicles along actin filaments (Aschenbrenner 2004). These in vitro functional studies suggest that the variant alters normal protein function, however, these types of assays may not accurately represent biological function. In summary, the clinical signi ficance of the p.Lys157Arg variant is uncertain. ACMG/AMP criteria applied: PM2, PS3_Supporting, PP3.

Literature cited by the submitters: PubMed 28591580; PubMed 29398621; PubMed 27474411; PubMed 28143933; PubMed 28096472; PubMed 15004223.

NM_004999.4(MYO6):c.470A>G (p.Lys157Arg)

Gene: MYO6 (myosin VI; plus strand). Cytogenetic location: 6q14.1.
Variant type: single nucleotide variant.
Coding change: c.470A>G on transcript NM_004999.4 (MANE Select); coding-DNA position 470, A replaced by G.
Protein change: p.Lys157Arg; replaces lysine 157 with arginine.
Molecular consequence: missense variant. On other transcripts: non-coding transcript variant (2).
Genome position (GRCh38, 1-based): chr6:75,832,920, A>G. VCF-style: chr6-75832920-A-G. GRCh37 (hg19) VCF-style: chr6-76542637-A-G.
Other names: c.470A>G, p.Lys157Arg (NM_001300899.2, NM_001368136.1, NM_001368137.1 and 5 more transcripts); short protein forms K157R.
Identifiers: ClinVar variation 45162 (VCV000045162.5), dbSNP rs397517053, ClinGen allele CA135639.